The following is an entry in ClinVar:

NM_004655.4(AXIN2):c.748T>A (p.Leu250Met)

Gene: AXIN2 (axin 2; minus strand). Cytogenetic location: 17q24.1.
Variant type: single nucleotide variant.
Coding change: c.748T>A on transcript NM_004655.4 (MANE Select); coding-DNA position 748, T replaced by A.
Protein change: p.Leu250Met; replaces leucine 250 with methionine.
Molecular consequence: missense variant.
Genome position (GRCh38, 1-based): chr17:65,557,873, A>T on the plus strand (T>A on the coding strand, the complement: AXIN2 is on the minus strand). VCF-style: chr17-65557873-A-T. GRCh37 (hg19) VCF-style: chr17-63553991-A-T.
Other names: c.748T>A (LRG_296t1); c.748T>A, p.Leu250Met (NM_001363813.1); short protein forms L250M.
Identifiers: ClinVar variation 575808 (VCV000575808.9), dbSNP rs1194806177, ClinGen allele CA400680359.

ClinVar aggregate classification (germline): Uncertain significance. Review status: criteria provided, multiple submitters, no conflicts (2 of 4 stars). 2 submissions from 2 submitters: Uncertain significance (2). Last evaluated 2024-01-24.

Conditions:
Hereditary cancer-predisposing syndrome. Also called: Tumor predisposition; Hereditary neoplastic syndrome; Hereditary Cancer Syndrome; Neoplastic Syndromes, Hereditary. Identifiers: Orphanet 140162, MedGen C0027672, MeSH D009386, MONDO:0015356.
Oligodontia-cancer predisposition syndrome. Also called: TOOTH AGENESIS-COLORECTAL CANCER SYNDROME. Identifiers: Orphanet 300576, MedGen C1837750, MONDO:0012075, OMIM 608615. Disease mechanism: loss of function.

Submissions (2):

Labcorp Genetics (formerly Invitae), Labcorp
Classification: Uncertain significance for Oligodontia-cancer predisposition syndrome. Last evaluated: 2024-01-24. Review status: criteria provided, single submitter. Criteria: Invitae Variant Classification Sherloc (09022015). Collection method: clinical testing. Allele origin: germline.
Comment: This sequence change replaces leucine, which is neutral and non-polar, with methionine, which is neutral and non-polar, at codon 250 of the AXIN2 protein (p.Leu250Met). This variant is not present in population databases (gnomAD no frequency). This variant has not been reported in the literature in individuals affected with AXIN2-related conditions. ClinVar contains an entry for this variant (Variation ID: 575808). Advanced modeling of protein sequence and biophysical properties (such as structural, functional, and spatial information, amino acid conservation, physicochemical variation, residue mobility, and thermodynamic stability) performed at Invitae indicates that this missense variant is expected to disrupt AXIN2 protein function with a positive predictive value of 80%. In summary, the available evidence is currently insufficient to determine the role of this variant in disease. Therefore, it has been classified as a Variant of Uncertain Significance.

Ambry Genetics
Classification: Uncertain significance for Hereditary cancer-predisposing syndrome. Last evaluated: 2023-11-16. Review status: criteria provided, single submitter. Criteria: Ambry Variant Classification Scheme 2023. Collection method: clinical testing. Allele origin: germline.
Comment: The p.L250M variant (also known as c.748T>A), located in coding exon 1 of the AXIN2 gene, results from a T to A substitution at nucleotide position 748. The leucine at codon 250 is replaced by methionine, an amino acid with highly similar properties. This amino acid position is conserved. In addition, this alteration is predicted to be tolerated by in silico analysis. Since supporting evidence is limited at this time, the clinical significance of this alteration remains unclear.